The following is an entry in ClinVar:

ClinVar aggregate classification (germline): Uncertain significance. Review status: criteria provided, multiple submitters, no conflicts (2 of 4 stars). 5 submissions from 5 submitters: Uncertain significance (5). Last evaluated 2025-08-20.

Conditions:
Inborn genetic diseases. Identifiers: MedGen C0950123, MeSH D030342.

Allele frequency attached by ClinVar (database versions not stated): ExAC 0.00004; gnomAD exomes 0.00006 and 0.00008; gnomAD 0.00007; TOPMed 0.00007; 1000 Genomes Project 30x 0.00016.
gnomAD v4.1: 130 of 1,602,122 alleles (0.0081%); highest among the groups gnomAD compares: Admixed American, 0.016%; no homozygotes.

Submissions (5):

Ambry Genetics
Classification: Uncertain significance for Inborn genetic diseases. Last evaluated: 2025-08-20. Review status: criteria provided, single submitter. Criteria: Ambry Variant Classification Scheme 2023. Collection method: clinical testing. Allele origin: germline.

Mayo Clinic Laboratories, Mayo Clinic
Classification: Uncertain significance. Last evaluated: 2025-06-27. Review status: criteria provided, single submitter. Criteria: ACMG Guidelines, 2015. Collection method: clinical testing. Allele origin: germline. Observed: 1 variant allele.
Comment: PM2_supporting

Blueprint Genetics
Classification: Uncertain significance. Last evaluated: 2024-11-08. Review status: criteria provided, single submitter. Criteria: ACMG Guidelines, 2015. Collection method: clinical testing. Allele origin: germline.

Labcorp Genetics (formerly Invitae), Labcorp
Classification: Uncertain significance. Last evaluated: 2023-07-21. Review status: criteria provided, single submitter. Criteria: Invitae Variant Classification Sherloc (09022015). Collection method: clinical testing. Allele origin: germline.
Comment: In summary, the available evidence is currently insufficient to determine the role of this variant in disease. Therefore, it has been classified as a Variant of Uncertain Significance. Advanced modeling of protein sequence and biophysical properties (such as structural, functional, and spatial information, amino acid conservation, physicochemical variation, residue mobility, and thermodynamic stability) performed at Invitae indicates that this missense variant is not expected to disrupt NDUFAF6 protein function. ClinVar contains an entry for this variant (Variation ID: 1338888). This variant has not been reported in the literature in individuals affected with NDUFAF6-related conditions. This variant is present in population databases (rs763634041, gnomAD 0.01%). This sequence change replaces alanine, which is neutral and non-polar, with valine, which is neutral and non-polar, at codon 135 of the NDUFAF6 protein (p.Ala135Val).

GeneDx
Classification: Uncertain significance. Last evaluated: 2022-01-27. Review status: criteria provided, single submitter. Criteria: GeneDx Variant Classification Process June 2021. Collection method: clinical testing. Allele origin: germline. Affected: yes.
Comment: Not observed at significant frequency in large population cohorts (gnomAD); In silico analysis supports that this missense variant has a deleterious effect on protein structure/function; Has not been previously published as pathogenic or benign to our knowledge

NM_152416.4(NDUFAF6):c.404C>T (p.Ala135Val)

Gene: NDUFAF6 (NADH:ubiquinone oxidoreductase complex assembly factor 6; plus strand). Cytogenetic location: 8q22.1.
Variant type: single nucleotide variant.
Coding change: c.404C>T on transcript NM_152416.4 (MANE Select); coding-DNA position 404, C replaced by T.
Protein change: p.Ala135Val; replaces alanine 135 with valine.
Molecular consequence: missense variant. On other transcripts: 5 prime UTR variant (10), non-coding transcript variant (6).
Genome position (GRCh38, 1-based): chr8:95,035,560, C>T. VCF-style: chr8-95035560-C-T. GRCh37 (hg19) VCF-style: chr8-96047788-C-T.
Other names: p.Ala135Val; c.128C>T, p.Ala43Val (NM_001330582.2, NM_001354514.2, NM_001354515.2 and 1 more transcripts); c.248C>T, p.Ala83Val (NM_001354516.2); c.71C>T, p.Ala24Val (NM_001354517.2, NM_001354518.2, NM_001354519.2 and 1 more transcripts); c.-177C>T (NM_001354522.2, NM_001354529.2, NM_001354530.2 and 1 more transcripts); c.-246C>T (NM_001354524.2, NM_001354525.2, NM_001354528.2 and 1 more transcripts); c.-275C>T (NM_001354527.2, NM_001354531.2); short protein forms A135V, A24V, A43V, A83V.
Identifiers: ClinVar variation 1338888 (VCV001338888.11), dbSNP rs763634041, ClinGen allele CA4814760.